The following is an entry in ClinVar:

NC_012920.1(MT-TY):m.5828G>A

Gene: MT-TY (mitochondrially encoded tRNA tyrosine; minus strand).
Variant type: single nucleotide variant.
Genome position: chrM-5828-G-A.
Identifiers: ClinVar variation 3255385 (VCV003255385.3).

ClinVar aggregate classification (germline): Pathogenic (1 of 4 stars; one submission).

Conditions:
Progressive external ophthalmoplegia. Also called: Ophthalmoplegia, Chronic Progressive External; Chronic Progressive External Ophthalmoplegia (CPEO). Identifiers: Orphanet 520820, MedGen C0162674, MeSH D017246, MONDO:0005181, HP:0000590.

Submission:

Key Laboratory of Laboratory Medicine, Ministry of Education, Wenzhou Medical University
Classification: Pathogenic for Progressive external ophthalmoplegia. Last evaluated: 2024-03-01. Review status: criteria provided, single submitter. Criteria: ACMG Guidelines, 2015. Collection method: research, in vitro. Allele origin: de novo, not applicable. Affected: yes. Observed: 1 variant allele. Functional consequence: loss_of_function_variant.
Comment: PS2+PS3+PM2(ACMG Guidelines, 2015)